The following is an entry in ClinVar:

NM_003036.4(SKI):c.1918G>A (p.Glu640Lys)

Gene: SKI (SKI proto-oncogene; plus strand). Cytogenetic location: 1p36.32.
Variant type: single nucleotide variant.
Coding change: c.1918G>A on transcript NM_003036.4 (MANE Select); coding-DNA position 1918, G replaced by A.
Protein change: p.Glu640Lys; replaces glutamic acid 640 with lysine.
Molecular consequence: missense variant.
Genome position (GRCh38, 1-based): chr1:2,306,170, G>A. VCF-style: chr1-2306170-G-A. GRCh37 (hg19) VCF-style: chr1-2237609-G-A.
Other names: short protein forms E640K.
Identifiers: ClinVar variation 943945 (VCV000943945.9), dbSNP rs1640570925, ClinGen allele CA337959056.

ClinVar aggregate classification (germline): Uncertain significance (1 of 4 stars; one submission).

Conditions:
Shprintzen-Goldberg syndrome (SGS). Also called: SHPRINTZEN-GOLDBERG CRANIOSYNOSTOSIS SYNDROME; CRANIOSYNOSTOSIS WITH ARACHNODACTYLY AND ABDOMINAL HERNIAS; Marfanoid disorder with craniosynostosis type 1; Marfanoid craniosynostosis syndrome; Shprintzen-Goldberg marfanoid syndrome. Identifiers: Orphanet 2462, MedGen C1321551, MONDO:0008426, OMIM 182212.

Submission:

Labcorp Genetics (formerly Invitae), Labcorp
Classification: Uncertain significance for Shprintzen-Goldberg syndrome. Last evaluated: 2020-06-21. Review status: criteria provided, single submitter. Criteria: Invitae Variant Classification Sherloc (09022015). Collection method: clinical testing. Allele origin: germline.
Comment: This variant has not been reported in the literature in individuals with SKI-related conditions. This variant is not present in population databases (ExAC no frequency). This sequence change replaces glutamic acid with lysine at codon 640 of the SKI protein (p.Glu640Lys). The glutamic acid residue is moderately conserved and there is a small physicochemical difference between glutamic acid and lysine. Algorithms developed to predict the effect of missense changes on protein structure and function are either unavailable or do not agree on the potential impact of this missense change (SIFT: "Deleterious"; PolyPhen-2: "Possibly Damaging"; Align-GVGD: "Class C0"). In summary, the available evidence is currently insufficient to determine the role of this variant in disease. Therefore, it has been classified as a Variant of Uncertain Significance.